The following is an entry in ClinVar:

NM_002335.4(LRP5):c.1199C>A (p.Ala400Glu)

Gene: LRP5 (LDL receptor related protein 5; plus strand). Cytogenetic location: 11q13.2.
Variant type: single nucleotide variant.
Coding change: c.1199C>A on transcript NM_002335.4 (MANE Select); coding-DNA position 1199, C replaced by A.
Protein change: p.Ala400Glu; replaces alanine 400 with glutamic acid.
Molecular consequence: missense variant. On other transcripts: 5 prime UTR variant (1).
Genome position (GRCh38, 1-based): chr11:68,386,499, C>A. VCF-style: chr11-68386499-C-A. GRCh37 (hg19) VCF-style: chr11-68153967-C-A.
Other names: c.-567C>A (NM_001291902.2); short protein forms A400E.
Identifiers: ClinVar variation 967240 (VCV000967240.7), dbSNP rs201320326, ClinGen allele CA224252706.

ClinVar aggregate classification (germline): Pathogenic (1 of 4 stars; one submission).

gnomAD v4.1: 19 of 1,614,082 alleles (0.0012%); highest among the groups gnomAD compares: Non-Finnish European, 0.0016%; no homozygotes.

Submission:

Labcorp Genetics (formerly Invitae), Labcorp
Classification: Pathogenic. Last evaluated: 2025-09-09. Review status: criteria provided, single submitter. Criteria: Invitae Variant Classification Sherloc (09022015). Collection method: clinical testing. Allele origin: germline.
Comment: This sequence change replaces alanine, which is neutral and non-polar, with glutamic acid, which is acidic and polar, at codon 400 of the LRP5 protein (p.Ala400Glu). This variant is not present in population databases (gnomAD no frequency). This missense change has been observed in individuals with autosomal dominant osteoporosis with familial exudative vitreoretinopathy and autosomal recessive osteoporosis pseudoglioma (PMID: 16252235, 25711638). ClinVar contains an entry for this variant (Variation ID: 967240). Invitae Evidence Modeling of protein sequence and biophysical properties (such as structural, functional, and spatial information, amino acid conservation, physicochemical variation, residue mobility, and thermodynamic stability) indicates that this missense variant is expected to disrupt LRP5 protein function with a positive predictive value of 80%. For these reasons, this variant has been classified as Pathogenic.

Literature cited by the submitters: PubMed 16252235; PubMed 25711638.